The following is an entry in ClinVar:

ClinVar aggregate classification (germline): Uncertain significance (1 of 4 stars; one submission).

Submission:

GeneDx
Classification: Uncertain significance. Last evaluated: 2026-10-02. Review status: criteria provided, single submitter. Criteria: GeneDx Variant Classification Process June 2021. Collection method: clinical testing. Allele origin: germline.
Comment: Not observed at significant frequency in large population cohorts (gnomAD); In silico analysis suggests that this missense variant does not alter protein structure/function; Has not been previously published as pathogenic or benign to our knowledge

NM_004614.5(TK2):c.781C>T (p.Arg261Trp)

Gene: TK2 (thymidine kinase 2; minus strand). Cytogenetic location: 16q21.
Variant type: single nucleotide variant.
Coding change: c.781C>T on transcript NM_004614.5 (MANE Select); coding-DNA position 781, C replaced by T.
Protein change: p.Arg261Trp; replaces arginine 261 with tryptophan.
Molecular consequence: missense variant. On other transcripts: 3 prime UTR variant (1), non-coding transcript variant (1).
Genome position (GRCh38, 1-based): chr16:66,511,985, G>A on the plus strand (C>T on the coding strand, the complement: TK2 is on the minus strand). VCF-style: chr16-66511985-G-A. GRCh37 (hg19) VCF-style: chr16-66545888-G-A.
Other names: c.688C>T, p.Arg230Trp (NM_001172643.1); c.706C>T, p.Arg236Trp (NM_001172644.2); c.727C>T, p.Arg243Trp (NM_001172645.2); c.634C>T, p.Arg212Trp (NM_001271934.2); c.*78C>T (NM_001271935.1); c.490C>T, p.Arg164Trp (NM_001272050.2); short protein forms R164W, R212W, R230W, R236W, R243W, R261W.
Identifiers: ClinVar variation 4282052 (VCV004282052.2).